The following is an entry in ClinVar:

NM_018418.5(SPATA7):c.1485T>G (p.Ile495Met)

Gene: SPATA7 (spermatogenesis associated 7; plus strand). Cytogenetic location: 14q31.3.
Variant type: single nucleotide variant.
Coding change: c.1485T>G on transcript NM_018418.5 (MANE Select); coding-DNA position 1485, T replaced by G.
Protein change: p.Ile495Met; replaces isoleucine 495 with methionine.
Molecular consequence: missense variant.
Genome position (GRCh38, 1-based): chr14:88,438,107, T>G. VCF-style: chr14-88438107-T-G. GRCh37 (hg19) VCF-style: chr14-88904451-T-G.
Other names: c.1389T>G, p.Ile463Met (NM_001040428.4); c.1485T>G (NM_018418.4); short protein forms I495M, I463M.
Identifiers: ClinVar variation 1969318 (VCV001969318.7), dbSNP rs778726287, ClinGen allele CA7298820.

ClinVar aggregate classification (germline): Uncertain significance. Review status: criteria provided, multiple submitters, no conflicts (2 of 4 stars). 3 submissions from 3 submitters: Uncertain significance (3). Last evaluated 2025-08-24.

Conditions:
Inborn genetic diseases. Identifiers: MedGen C0950123, MeSH D030342.
Leber congenital amaurosis 3 (LCA3). Also called: SPATA7-Related Retinitis Pigmentosa. Identifiers: MedGen C1858677, MONDO:0011415, OMIM 604232.

Allele frequency attached by ClinVar (database versions not stated): ExAC 0.00001; gnomAD 0.00001; TOPMed 0.00002.
gnomAD v4.1: 14 of 1,613,956 alleles (0.00087%); highest among the groups gnomAD compares: African/African-American, 0.0027%; no homozygotes.

Submissions (3):

Ambry Genetics
Classification: Uncertain significance for Inborn genetic diseases. Last evaluated: 2025-08-24. Review status: criteria provided, single submitter. Criteria: Ambry Variant Classification Scheme 2023. Collection method: clinical testing. Allele origin: germline.

Blueprint Genetics
Classification: Uncertain significance. Last evaluated: 2022-04-20. Review status: criteria provided, single submitter. Criteria: ACMG Guidelines, 2015. Collection method: clinical testing. Allele origin: germline.

Labcorp Genetics (formerly Invitae), Labcorp
Classification: Uncertain significance for Leber congenital amaurosis 3. Last evaluated: 2022-04-16. Review status: criteria provided, single submitter. Criteria: Invitae Variant Classification Sherloc (09022015). Collection method: clinical testing. Allele origin: germline.
Comment: In summary, the available evidence is currently insufficient to determine the role of this variant in disease. Therefore, it has been classified as a Variant of Uncertain Significance. Algorithms developed to predict the effect of missense changes on protein structure and function (SIFT, PolyPhen-2, Align-GVGD) all suggest that this variant is likely to be tolerated. This variant has not been reported in the literature in individuals affected with SPATA7-related conditions. This variant is present in population databases (rs778726287, gnomAD 0.002%). This sequence change replaces isoleucine, which is neutral and non-polar, with methionine, which is neutral and non-polar, at codon 495 of the SPATA7 protein (p.Ile495Met).